The following is an entry in ClinVar:

NM_001370298.3(FGD4):c.2616C>T (p.Ile872=)

Gene: FGD4 (FYVE, RhoGEF and PH domain containing 4; plus strand). Cytogenetic location: 12p11.21.
Variant type: single nucleotide variant.
Coding change: c.2616C>T on transcript NM_001370298.3 (MANE Select); coding-DNA position 2616, C replaced by T.
Protein change: p.Ile872=; no amino-acid change (isoleucine 872 retained).
Molecular consequence: synonymous variant.
Genome position (GRCh38, 1-based): chr12:32,640,437, C>T. VCF-style: chr12-32640437-C-T. GRCh37 (hg19) VCF-style: chr12-32793371-C-T.
Other names: c.2460C>T, p.Ile820= (NM_001304481.2); c.1173C>T, p.Ile391= (NM_001304484.2); c.1926C>T, p.Ile642= (NM_001330373.2, NM_001330374.2, NM_001384130.1); c.1653C>T, p.Ile551= (NM_001370297.1); c.2616C>T, p.Ile872= (NM_001384126.1); c.2205C>T, p.Ile735= (NM_001384127.1, NM_001384128.1, NM_001385118.1 and 1 more transcripts).
Identifiers: ClinVar variation 703357 (VCV000703357.35), dbSNP rs759982135, ClinGen allele CA6507131.

ClinVar aggregate classification (germline): Likely benign. Review status: criteria provided, multiple submitters, no conflicts (2 of 4 stars). 2 submissions from 2 submitters: Likely benign (2). Last evaluated 2025-10-02.

Conditions:
Charcot-Marie-Tooth disease type 4. Also called: Charcot-Marie-Tooth disease, type IV; Charcot-Marie-Tooth, Type 4. Identifiers: Orphanet 64749, MedGen C4082197, MONDO:0018995.

Allele frequency attached by ClinVar (database versions not stated): gnomAD 0.00001; gnomAD exomes 0.00001 and 0.00002; ExAC 0.00002; TOPMed 0.00002.
gnomAD v4.1: 22 of 1,613,998 alleles (0.0014%); highest among the groups gnomAD compares: Admixed American, 0.0017%; no homozygotes.

Submissions (2):

Labcorp Genetics (formerly Invitae), Labcorp
Classification: Likely benign for Charcot-Marie-Tooth disease type 4. Last evaluated: 2025-10-02. Review status: criteria provided, single submitter. Criteria: Invitae Variant Classification Sherloc (09022015). Collection method: clinical testing. Allele origin: germline.

CeGaT Center for Human Genetics Tuebingen
Classification: Likely benign. Last evaluated: 2022-12-01. Review status: criteria provided, single submitter. Criteria: CeGaT Center For Human Genetics Tuebingen Variant Classification Criteria Version 2. Collection method: clinical testing. Allele origin: germline. Affected: yes. Observed: 1 variant allele.
Comment: FGD4: BP4, BP7